The following is an entry in ClinVar:

ClinVar aggregate classification (germline): Uncertain significance (1 of 4 stars; one submission).

Conditions:
Fanconi anemia (FA). Also called: Fanconi's anemia. Identifiers: Orphanet 84, MedGen C0015625, MeSH D005199, MONDO:0019391.

Submission:

Labcorp Genetics (formerly Invitae), Labcorp
Classification: Uncertain significance for Fanconi anemia. Last evaluated: 2025-04-07. Review status: criteria provided, single submitter. Criteria: Invitae Variant Classification Sherloc (09022015). Collection method: clinical testing. Allele origin: germline.
Comment: This sequence change replaces asparagine, which is neutral and polar, with histidine, which is basic and polar, at codon 1752 of the FANCM protein (p.Asn1752His). This variant is not present in population databases (gnomAD no frequency). This variant has not been reported in the literature in individuals affected with FANCM-related conditions. ClinVar contains an entry for this variant (Variation ID: 3664497). An algorithm developed to predict the effect of missense changes on protein structure and function (PolyPhen-2) suggests that this variant is likely to be tolerated. In summary, the available evidence is currently insufficient to determine the role of this variant in disease. Therefore, it has been classified as a Variant of Uncertain Significance.

NM_020937.4(FANCM):c.5254A>C (p.Asn1752His)

Gene: FANCM (FA complementation group M; plus strand). Cytogenetic location: 14q21.2.
Variant type: single nucleotide variant.
Coding change: c.5254A>C on transcript NM_020937.4 (MANE Select); coding-DNA position 5254, A replaced by C.
Protein change: p.Asn1752His; replaces asparagine 1752 with histidine.
Molecular consequence: missense variant.
Genome position (GRCh38, 1-based): chr14:45,189,276, A>C. VCF-style: chr14-45189276-A-C. GRCh37 (hg19) VCF-style: chr14-45658479-A-C.
Other names: c.5176A>C, p.Asn1726His (NM_001308133.2); short protein forms N1726H, N1752H.
Identifiers: ClinVar variation 3664497 (VCV003664497.2).
Genomic context (GRCh38, chr14:45,189,276, plus strand): 5'-AAACAGACATCGCTGAATTTAAAGGATACAATTTCCGAAGTCTCAGACTTCAAACCTCAG[A>C]ATCATAATGAAGTCCAGTCTACCACACCACCCTTCACTACTGTTGATTCACAGAAAGACT-3'
Protein context (NP_065988.1, residues 1742-1762): ISEVSDFKPQ[Asn1752His]HNEVQSTTPP